The following is an entry in ClinVar:

NM_000321.3(RB1):c.265-2A>G

Gene: RB1 (RB transcriptional corepressor 1; plus strand). Cytogenetic location: 13q14.2.
Variant type: single nucleotide variant.
Coding change: c.265-2A>G on transcript NM_000321.3 (MANE Select); the canonical splice acceptor site of the intron before coding-DNA position 265, A replaced by G.
Molecular consequence: splice acceptor variant.
Genome position (GRCh38, 1-based): chr13:48,342,597, A>G. VCF-style: chr13-48342597-A-G. GRCh37 (hg19) VCF-style: chr13-48916733-A-G.
Other names: c.265-2A>G (NM_001407165.1, NM_001407166.1).
Identifiers: ClinVar variation 4531459 (VCV004531459.1).

ClinVar aggregate classification (germline): Pathogenic (1 of 4 stars; one submission).

Conditions:
Retinoblastoma (RB1). Also called: RETINOBLASTOMA, SOMATIC. Identifiers: Orphanet 790, MedGen C0035335, MeSH D012175, MONDO:0008380, OMIM 180200, HP:0009919. Disease mechanism: loss of function. Inheritance: Both sporadic and heritable forms are tested..

Submission:

Victorian Clinical Genetics Services, Murdoch Childrens Research Institute
Classification: Pathogenic for Retinoblastoma. Last evaluated: 2025-11-13. Review status: criteria provided, single submitter. Criteria: ACMG Guidelines, 2015. Collection method: clinical testing. Allele origin: germline. Affected: yes.
Comment: This variant is classified as Pathogenic. Evidence in support of pathogenic classification: Canonical splice site variant without proven consequence on splicing (no functional evidence available); Variant is absent from gnomAD (v2, v3 and v4); This variant has strong previous evidence of pathogenicity in unrelated individuals. This variant has been reported in the literature in multiple unrelated individuals with retinoblastoma, including one in whom the variant was found to be de novo with paternity assumed (PMIDs: 33456302, 22963398, 28575107, 15605413); Other splice site variant(s) comparable to the one identified in this case have moderate previous evidence for pathogenicity. c.265-2A>T, and c.265-1G>T have been reported in the literature in individuals with retinoblastoma (PMIDs: 37682130, 29568217, 25754945); Abnormal splicing is predicted by in silico tool and affected nucleotide is highly conserved. Additional information: This variant is heterozygous; This gene is associated with autosomal dominant disease; No published functional evidence has been identified for this variant; Loss of function is a known mechanism of disease in this gene and is associated with retinoblastoma (MIM#180200); The condition associated with this gene has incomplete penetrance. A small proportion of families have a low penetrance phenotype, although null alleles are almost always fully penetrant (PMID: 20301625).

Literature cited by the submitters: PubMed 22963398; PubMed 33456302; PubMed 15605413; PubMed 25754945; PubMed 29568217; PubMed 20301625; PubMed 37682130; PubMed 28575107.